The following is an entry in ClinVar:

NM_001029883.3(PCARE):c.2434G>A (p.Glu812Lys)

Gene: PCARE (photoreceptor cilium actin regulator; minus strand). Cytogenetic location: 2p23.2.
Variant type: single nucleotide variant.
Coding change: c.2434G>A on transcript NM_001029883.3 (MANE Select); coding-DNA position 2434, G replaced by A.
Protein change: p.Glu812Lys; replaces glutamic acid 812 with lysine.
Molecular consequence: missense variant.
Genome position (GRCh38, 1-based): chr2:29,071,828, C>T on the plus strand (G>A on the coding strand, the complement: PCARE is on the minus strand). VCF-style: chr2-29071828-C-T. GRCh37 (hg19) VCF-style: chr2-29294694-C-T.
Other names: short protein forms E812K.
Identifiers: ClinVar variation 3351329 (VCV003351329.2).

ClinVar aggregate classification (germline): Uncertain significance. Review status: criteria provided, single submitter (1 of 4 stars). 2 submissions from 2 submitters: Uncertain significance (1). 1 of the submissions does not count toward it. Last evaluated 2023-05-23.

Conditions:
PCARE-related disorder. Also called: PCARE-related condition.

gnomAD v4.1: 17 of 1,614,118 alleles (0.0011%); highest among the groups gnomAD compares: Non-Finnish European, 0.0014%; no homozygotes.

Submissions (2):

Blueprint Genetics
Classification: Uncertain significance. Last evaluated: 2023-05-23. Review status: criteria provided, single submitter. Criteria: ACMG Guidelines, 2015. Collection method: clinical testing. Allele origin: germline.

PreventionGenetics, part of Exact Sciences
Classification: Uncertain significance for PCARE-related condition. Last evaluated: 2024-09-07. Review status: no assertion criteria provided. Collection method: clinical testing. Allele origin: germline. Not counted in ClinVar's aggregate classification.
Comment: The PCARE c.2434G>A variant is predicted to result in the amino acid substitution p.Glu812Lys. To our knowledge, this variant has not been reported in the literature. This variant is reported in 0.0053% of alleles in individuals of European (Non-Finnish) descent in gnomAD. At this time, the clinical significance of this variant is uncertain due to the absence of conclusive functional and genetic evidence.